The following is an entry in ClinVar:

NM_020937.4(FANCM):c.3706T>G (p.Phe1236Val)

Gene: FANCM (FA complementation group M; plus strand). Cytogenetic location: 14q21.2.
Variant type: single nucleotide variant.
Coding change: c.3706T>G on transcript NM_020937.4 (MANE Select); coding-DNA position 3706, T replaced by G.
Protein change: p.Phe1236Val; replaces phenylalanine 1236 with valine.
Molecular consequence: missense variant.
Genome position (GRCh38, 1-based): chr14:45,176,460, T>G. VCF-style: chr14-45176460-T-G. GRCh37 (hg19) VCF-style: chr14-45645663-T-G.
Other names: c.3628T>G, p.Phe1210Val (NM_001308133.2); short protein forms F1236V, F1210V.
Identifiers: ClinVar variation 2150094 (VCV002150094.5), dbSNP rs2503193835, ClinGen allele CA389602673.

ClinVar aggregate classification (germline): Uncertain significance. Review status: criteria provided, multiple submitters, no conflicts (2 of 4 stars). 2 submissions from 2 submitters: Uncertain significance (2). Last evaluated 2026-04-09.

Conditions:
Inborn genetic diseases. Identifiers: MedGen C0950123, MeSH D030342.
Fanconi anemia (FA). Also called: Fanconi's anemia. Identifiers: Orphanet 84, MedGen C0015625, MeSH D005199, MONDO:0019391.

Allele frequency attached by ClinVar (database versions not stated): gnomAD exomes below 0.00001.
gnomAD v4.1: 1 of 1,612,926 alleles (0.000062%); highest among the groups gnomAD compares: Non-Finnish European, 0.000085%; no homozygotes.

Submissions (2):

Ambry Genetics
Classification: Uncertain significance for Inborn genetic diseases. Last evaluated: 2026-04-09. Review status: criteria provided, single submitter. Criteria: Ambry Variant Classification Scheme 2023. Collection method: clinical testing. Allele origin: germline.
Comment: The p.F1236V variant (also known as c.3706T>G), located in coding exon 14 of the FANCM gene, results from a T to G substitution at nucleotide position 3706. The phenylalanine at codon 1236 is replaced by valine, an amino acid with highly similar properties. This amino acid position is conserved. In addition, this alteration is predicted to be tolerated by in silico analysis. Based on the available evidence, the clinical significance of this variant remains unclear.

Labcorp Genetics (formerly Invitae), Labcorp
Classification: Uncertain significance for Fanconi anemia. Last evaluated: 2022-05-27. Review status: criteria provided, single submitter. Criteria: Invitae Variant Classification Sherloc (09022015). Collection method: clinical testing. Allele origin: germline.
Comment: In summary, the available evidence is currently insufficient to determine the role of this variant in disease. Therefore, it has been classified as a Variant of Uncertain Significance. Algorithms developed to predict the effect of missense changes on protein structure and function are either unavailable or do not agree on the potential impact of this missense change (SIFT: "Deleterious"; PolyPhen-2: "Probably Damaging"; Align-GVGD: "Class C0"). This variant has not been reported in the literature in individuals affected with FANCM-related conditions. This variant is not present in population databases (gnomAD no frequency). This sequence change replaces phenylalanine, which is neutral and non-polar, with valine, which is neutral and non-polar, at codon 1236 of the FANCM protein (p.Phe1236Val).